The following is an entry in ClinVar:

ClinVar aggregate classification (germline): Uncertain significance (1 of 4 stars; one submission).

Conditions:
Werner syndrome (WRN). Identifiers: Orphanet 902, MedGen C0043119, MONDO:0010196, OMIM 277700.

Allele frequency attached by ClinVar (database versions not stated): gnomAD exomes below 0.00001; ExAC 0.00001.
gnomAD v4.1: 4 of 1,611,968 alleles (0.00025%); highest among the groups gnomAD compares: Admixed American, 0.0017%; no homozygotes.

Submission:

Labcorp Genetics (formerly Invitae), Labcorp
Classification: Uncertain significance for Werner syndrome. Last evaluated: 2023-02-03. Review status: criteria provided, single submitter. Criteria: Invitae Variant Classification Sherloc (09022015). Collection method: clinical testing. Allele origin: germline.
Comment: ClinVar contains an entry for this variant (Variation ID: 1443201). This variant has not been reported in the literature in individuals affected with WRN-related conditions. This variant is present in population databases (rs775685980, gnomAD 0.003%). This sequence change replaces aspartic acid, which is acidic and polar, with glycine, which is neutral and non-polar, at codon 433 of the WRN protein (p.Asp433Gly). An algorithm developed to predict the effect of missense changes on protein structure and function (PolyPhen-2) suggests that this variant is likely to be tolerated. In summary, the available evidence is currently insufficient to determine the role of this variant in disease. Therefore, it has been classified as a Variant of Uncertain Significance.

NM_000553.6(WRN):c.1298A>G (p.Asp433Gly)

Gene: WRN (WRN RecQ like helicase; plus strand). Cytogenetic location: 8p12.
Variant type: single nucleotide variant.
Coding change: c.1298A>G on transcript NM_000553.6 (MANE Select); coding-DNA position 1298, A replaced by G.
Protein change: p.Asp433Gly; replaces aspartic acid 433 with glycine.
Molecular consequence: missense variant.
Genome position (GRCh38, 1-based): chr8:31,083,727, A>G. VCF-style: chr8-31083727-A-G. GRCh37 (hg19) VCF-style: chr8-30941243-A-G.
Other names: short protein forms D433G.
Identifiers: ClinVar variation 1443201 (VCV001443201.6), dbSNP rs775685980, ClinGen allele CA4704305.